The following is an entry in ClinVar:

NM_177550.5(SLC13A5):c.1564G>A (p.Val522Ile)

Gene: SLC13A5 (solute carrier family 13 member 5; minus strand). Cytogenetic location: 17p13.1.
Variant type: single nucleotide variant.
Coding change: c.1564G>A on transcript NM_177550.5 (MANE Select); coding-DNA position 1564, G replaced by A.
Protein change: p.Val522Ile; replaces valine 522 with isoleucine.
Molecular consequence: missense variant. On other transcripts: intron variant (1).
Genome position (GRCh38, 1-based): chr17:6,687,540, C>T on the plus strand (G>A on the coding strand, the complement: SLC13A5 is on the minus strand). VCF-style: chr17-6687540-C-T. GRCh37 (hg19) VCF-style: chr17-6590859-C-T.
Other names: c.1513G>A, p.Val505Ile (NM_001284509.2); c.1435G>A, p.Val479Ile (NM_001284510.2); c.1438-1202G>A (NM_001143838.3); short protein forms V479I, V505I, V522I.
Identifiers: ClinVar variation 834467 (VCV000834467.7), dbSNP rs1221511903, ClinGen allele CA397737959.

ClinVar aggregate classification (germline): Uncertain significance. Review status: criteria provided, multiple submitters, no conflicts (2 of 4 stars). 2 submissions from 2 submitters: Uncertain significance (2). Last evaluated 2026-01-19.

Conditions:
Developmental and epileptic encephalopathy, 25 (DEE25). Also called: Developmental and epileptic encephalopathy 25, with amelogenesis imperfecta; Epileptic encephalopathy, early infantile, 25, with amelogenesis imperfecta; Epileptic encephalopathy, early infantile, 25. Identifiers: Orphanet 442835, MedGen C4014621, MONDO:0014392, OMIM 615905.

gnomAD v4.1: 2 of 1,613,522 alleles (0.00012%); highest among the groups gnomAD compares: Admixed American, 0.0017%; no homozygotes.

Submissions (2):

Labcorp Genetics (formerly Invitae), Labcorp
Classification: Uncertain significance for Developmental and epileptic encephalopathy, 25. Last evaluated: 2026-01-19. Review status: criteria provided, single submitter. Criteria: Invitae Variant Classification Sherloc (09022015). Collection method: clinical testing. Allele origin: germline.
Comment: This sequence change replaces valine, which is neutral and non-polar, with isoleucine, which is neutral and non-polar, at codon 522 of the SLC13A5 protein (p.Val522Ile). This variant is not present in population databases (gnomAD no frequency). This variant has not been reported in the literature in individuals affected with SLC13A5-related conditions. ClinVar contains an entry for this variant (Variation ID: 834467). Invitae Evidence Modeling of protein sequence and biophysical properties (such as structural, functional, and spatial information, amino acid conservation, physicochemical variation, residue mobility, and thermodynamic stability) indicates that this missense variant is not expected to disrupt SLC13A5 protein function with a negative predictive value of 80%. In summary, the available evidence is currently insufficient to determine the role of this variant in disease. Therefore, it has been classified as a Variant of Uncertain Significance.

GeneDx
Classification: Uncertain significance. Last evaluated: 2024-07-29. Review status: criteria provided, single submitter. Criteria: GeneDx Variant Classification Process June 2021. Collection method: clinical testing. Allele origin: germline. Affected: yes.
Comment: Not observed at significant frequency in large population cohorts (gnomAD); In silico analysis indicates that this missense variant does not alter protein structure/function; Has not been previously published as pathogenic or benign to our knowledge